The following is an entry in ClinVar:

NM_004431.5(EPHA2):c.2426_2427dup (p.Val810fs)

Gene: EPHA2 (EPH receptor A2; minus strand). Cytogenetic location: 1p36.13.
Variant type: Duplication.
Coding change: c.2426_2427dup on transcript NM_004431.5 (MANE Select); coding-DNA positions 2426 to 2427, 2 bases duplicated (AG; older notation c.2426_2427dupAG).
Protein change: p.Val810fs; shifts the reading frame from valine 810.
Molecular consequence: frameshift variant.
Genome position (GRCh38, 1-based): chr1:16,131,769-16,131,770, CT duplicated on the plus strand (AG on the coding strand, the reverse complement: EPHA2 is on the minus strand); duplicating any 2 consecutive bases within chr1:16,131,769-16,131,771 gives the same sequence; the c. name uses the placement nearest the transcript's 3' end. VCF-style (leftmost placement, unchanged base first): chr1-16131768-C-CCT. GRCh37 (hg19) VCF-style: chr1-16458263-C-CCT.
Other names: c.2264_2265dup, p.Val756fs (NM_001329090.2); short protein forms V756fs, V810fs.
Identifiers: ClinVar variation 2153735 (VCV002153735.1), dbSNP rs2524547709, ClinGen allele CA2580060601.

ClinVar aggregate classification (germline): Pathogenic (1 of 4 stars; one submission).

Conditions:
Cataract 6 multiple types. Also called: CATARACT, AGE-RELATED CORTICAL, 2; CATARACT 6, POSTERIOR POLAR; CATARACT 6, CONGENITAL TOTAL. Identifiers: Orphanet 91492, MedGen C1861825, MONDO:0007288, OMIM 116600.

Submission:

Labcorp Genetics (formerly Invitae), Labcorp
Classification: Pathogenic for Cataract 6 multiple types. Last evaluated: 2022-06-28. Review status: criteria provided, single submitter. Criteria: Invitae Variant Classification Sherloc (09022015). Collection method: clinical testing. Allele origin: germline.
Comment: This sequence change creates a premature translational stop signal (p.Val810Argfs*2) in the EPHA2 gene. It is expected to result in an absent or disrupted protein product. Loss-of-function variants in EPHA2 are known to be pathogenic (PMID: 19649315, 22167091, 25148791). This variant is not present in population databases (gnomAD no frequency). This variant has not been reported in the literature in individuals affected with EPHA2-related conditions. Algorithms developed to predict the effect of sequence changes on RNA splicing suggest that this variant may create or strengthen a splice site. For these reasons, this variant has been classified as Pathogenic.

Literature cited by the submitters: PubMed 19649315; PubMed 22167091; PubMed 25148791.